The following is an entry in ClinVar:

ClinVar aggregate classification (germline): Uncertain significance. Review status: criteria provided, multiple submitters, no conflicts (2 of 4 stars). 4 submissions from 4 submitters: Uncertain significance (4). Last evaluated 2025-11-04.

Conditions:
COL9A3-related disorder. Also called: COL9A3-related condition.

Allele frequency attached by ClinVar (database versions not stated): ExAC 0.00001; gnomAD exomes 0.00002.

Submissions (4):

Labcorp Genetics (formerly Invitae), Labcorp
Classification: Uncertain significance. Last evaluated: 2025-11-04. Review status: criteria provided, single submitter. Criteria: Invitae Variant Classification Sherloc (09022015). Collection method: clinical testing. Allele origin: germline.
Comment: This sequence change replaces glycine, which is neutral and non-polar, with serine, which is neutral and polar, at codon 448 of the COL9A3 protein (p.Gly448Ser). This variant is present in population databases (rs745504325, gnomAD 0.004%). This variant has not been reported in the literature in individuals affected with COL9A3-related conditions. ClinVar contains an entry for this variant (Variation ID: 424558). Invitae Evidence Modeling of protein sequence and biophysical properties (such as structural, functional, and spatial information, amino acid conservation, physicochemical variation, residue mobility, and thermodynamic stability) indicates that this missense variant is expected to disrupt COL9A3 protein function with a positive predictive value of 95%. In summary, the available evidence is currently insufficient to determine the role of this variant in disease. Therefore, it has been classified as a Variant of Uncertain Significance.

PreventionGenetics, part of Exact Sciences
Classification: Uncertain significance for COL9A3-related condition. Last evaluated: 2024-10-18. Review status: criteria provided, single submitter. Criteria: ACMG Guidelines, 2015. Collection method: clinical testing. Allele origin: germline.
Comment: The COL9A3 c.1342G>A variant is predicted to result in the amino acid substitution p.Gly448Ser. To our knowledge, this variant has not been reported in the literature. This variant is reported in 0.0046% of alleles in individuals of European (Finnish) descent in gnomAD. At this time, the clinical significance of this variant is uncertain due to the absence of conclusive functional and genetic evidence.

Blueprint Genetics
Classification: Uncertain significance. Last evaluated: 2022-10-12. Review status: criteria provided, single submitter. Criteria: ACMG Guidelines, 2015. Collection method: clinical testing. Allele origin: germline.

GeneDx
Classification: Uncertain significance. Last evaluated: 2018-02-16. Review status: criteria provided, single submitter. Criteria: GeneDx Variant Classification (06012015). Collection method: clinical testing. Allele origin: germline. Affected: yes.
Comment: The G448S variant in the COL9A3 gene has not been reported previously as a pathogenic variant, nor as a benign variant, to our knowledge. The G448S variant is observed in 1/66168 0.0015% alleles from individuals of Non-Finnish European background in the ExAC dataset. The G448S variant is a non-conservative amino acid substitution, which is likely to impact secondary protein structure as these residues differ in polarity, charge, size and/or other properties. This substitution occurs at a position that is conserved across species, affecting a Glycine residue of the triple-helical region containing Gly-X-Y repeats. In silico analysis predicts this variant is probably damaging to the protein structure/function. We interpret G448S as a variant of uncertain significance.

NM_001853.4(COL9A3):c.1342G>A (p.Gly448Ser)

Gene: COL9A3 (collagen type IX alpha 3 chain; plus strand). Cytogenetic location: 20q13.33.
Variant type: single nucleotide variant.
Coding change: c.1342G>A on transcript NM_001853.4 (MANE Select); coding-DNA position 1342, G replaced by A.
Protein change: p.Gly448Ser; replaces glycine 448 with serine.
Molecular consequence: missense variant.
Genome position (GRCh38, 1-based): chr20:62,833,038, G>A. VCF-style: chr20-62833038-G-A. GRCh37 (hg19) VCF-style: chr20-61464390-G-A.
Other names: c.1342G>A, p.Gly448Ser (LRG_1253t1); short protein forms G448S.
Identifiers: ClinVar variation 424558 (VCV000424558.11), dbSNP rs745504325, ClinGen allele CA9949913.